The following is an entry in ClinVar:

ClinVar aggregate classification (germline): Uncertain significance. Review status: criteria provided, multiple submitters, no conflicts (2 of 4 stars). 8 submissions from 8 submitters: Uncertain significance (7). 1 of the submissions does not count toward it. Last evaluated 2026-01-26.

Conditions:
Hereditary cancer-predisposing syndrome. Also called: Hereditary neoplastic syndrome; Tumor predisposition; Hereditary Cancer Syndrome; Neoplastic Syndromes, Hereditary. Identifiers: Orphanet 140162, MedGen C0027672, MeSH D009386, MONDO:0015356.
Colorectal cancer, susceptibility to, 12 (CRCS12). Also called: COLORECTAL CANCER, SUSCEPTIBILITY TO, ON CHROMOSOME 12q24. Identifiers: Orphanet 220460, MedGen C3554460, MONDO:0014038, OMIM 615083.

Allele frequency attached by ClinVar (database versions not stated): gnomAD 0.00001 and 0.00002; ExAC 0.00002; TOPMed 0.00002; gnomAD exomes 0.00004.
gnomAD v4.1: 27 of 1,613,916 alleles (0.0017%); highest among the groups gnomAD compares: Middle Eastern, 0.016%; no homozygotes.

Submissions (8):

Labcorp Genetics (formerly Invitae), Labcorp
Classification: Uncertain significance. Last evaluated: 2026-01-26. Review status: criteria provided, single submitter. Criteria: Invitae Variant Classification Sherloc (09022015). Collection method: clinical testing. Allele origin: germline.
Comment: This sequence change replaces valine, which is neutral and non-polar, with methionine, which is neutral and non-polar, at codon 1800 of the POLE protein (p.Val1800Met). This variant is present in population databases (rs199777048, gnomAD 0.009%). This missense change has been observed in individual(s) with breast cancer and/or ovarian cancer (PMID: 35264596, 35534704). ClinVar contains an entry for this variant (Variation ID: 439277). Invitae Evidence Modeling of protein sequence and biophysical properties (such as structural, functional, and spatial information, amino acid conservation, physicochemical variation, residue mobility, and thermodynamic stability) indicates that this missense variant is not expected to disrupt POLE protein function with a negative predictive value of 80%. In summary, the available evidence is currently insufficient to determine the role of this variant in disease. Therefore, it has been classified as a Variant of Uncertain Significance.

Dasa
Classification: Uncertain significance. Last evaluated: 2025-08-19. Review status: criteria provided, single submitter. Criteria: DASA Assertion Criteria. Collection method: clinical testing. Allele origin: germline.
Comment: NM_006231.4(POLE):c.5398G>A (p.Val1800Met) is a missense variant that results in the substitution of valine with methionine. This variant is rare in population databases. Computational prediction algorithms are consistent with a benign effect. The currently available literature and clinical evidence are not sufficient to establish a definitive association between this variant and the reported condition. Therefore, this variant is classified as a variant of uncertain significance.

GeneDx
Classification: Uncertain significance. Last evaluated: 2025-02-07. Review status: criteria provided, single submitter. Criteria: GeneDx Variant Classification Process June 2021. Collection method: clinical testing. Allele origin: germline. Affected: yes.
Comment: In silico analysis supports that this missense variant does not alter protein structure/function; This variant is associated with the following publications: (PMID: 35264596, 35534704)

Ambry Genetics
Classification: Uncertain significance for Hereditary cancer-predisposing syndrome. Last evaluated: 2024-12-11. Review status: criteria provided, single submitter. Criteria: Ambry Variant Classification Scheme 2023. Collection method: clinical testing. Allele origin: germline.
Comment: The p.V1800M variant (also known as c.5398G>A), located in coding exon 40 of the POLE gene, results from a G to A substitution at nucleotide position 5398. The valine at codon 1800 is replaced by methionine, an amino acid with highly similar properties. This amino acid position is conserved. In addition, the in silico prediction for this alteration is inconclusive. Based on the available evidence, the clinical significance of this variant remains unclear.

Blueprint Genetics
Classification: Uncertain significance. Last evaluated: 2023-11-01. Review status: criteria provided, single submitter. Criteria: ACMG Guidelines, 2015. Collection method: clinical testing. Allele origin: germline.

Mendelics
Classification: Uncertain significance for Colorectal cancer, susceptibility to, 12. Last evaluated: 2019-05-28. Review status: criteria provided, single submitter. Criteria: Mendelics Assertion Criteria 2017. Collection method: clinical testing. Allele origin: unknown.

Quest Diagnostics Nichols Institute San Juan Capistrano
Classification: Uncertain significance. Last evaluated: 2017-01-15. Review status: criteria provided, single submitter. Criteria: Quest Diagnostics criteria. Collection method: clinical testing. Allele origin: germline.

Counsyl
Classification: Uncertain significance for Colorectal cancer, susceptibility to, 12. Last evaluated: 2017-12-27. Review status: no assertion criteria provided. Collection method: clinical testing. Allele origin: unknown. Not counted in ClinVar's aggregate classification.

Literature cited by the submitters: PubMed 35264596 (cited by Labcorp Genetics (formerly Invitae), Labcorp); PubMed 35534704 (cited by Labcorp Genetics (formerly Invitae), Labcorp).

NM_006231.4(POLE):c.5398G>A (p.Val1800Met)

Gene: POLE (DNA polymerase epsilon, catalytic subunit; minus strand). Cytogenetic location: 12q24.33.
Variant type: single nucleotide variant.
Coding change: c.5398G>A on transcript NM_006231.4 (MANE Select); coding-DNA position 5398, G replaced by A.
Protein change: p.Val1800Met; replaces valine 1800 with methionine.
Molecular consequence: missense variant.
Genome position (GRCh38, 1-based): chr12:132,639,279, C>T on the plus strand (G>A on the coding strand, the complement: POLE is on the minus strand). VCF-style: chr12-132639279-C-T. GRCh37 (hg19) VCF-style: chr12-133215865-C-T.
Other names: short protein forms V1800M.
Identifiers: ClinVar variation 439277 (VCV000439277.25), dbSNP rs199777048, ClinGen allele CA6892528.